The following is an entry in ClinVar:

NM_004370.6(COL12A1):c.326A>C (p.Gln109Pro)

Gene: COL12A1 (collagen type XII alpha 1 chain; minus strand). Cytogenetic location: 6q13.
Variant type: single nucleotide variant.
Coding change: c.326A>C on transcript NM_004370.6 (MANE Select); coding-DNA position 326, A replaced by C.
Protein change: p.Gln109Pro; replaces glutamine 109 with proline.
Molecular consequence: missense variant. On other transcripts: intron variant (2).
Genome position (GRCh38, 1-based): chr6:75,192,220, T>G on the plus strand (A>C on the coding strand, the complement: COL12A1 is on the minus strand). VCF-style: chr6-75192220-T-G. GRCh37 (hg19) VCF-style: chr6-75901936-T-G.
Other names: c.326A>C, p.Gln109Pro (NM_001424113.1, NM_001424114.1, NM_001424115.1); c.73+10500A>C (NM_001424116.1, NM_080645.3); short protein forms Q109P.
Identifiers: ClinVar variation 2923513 (VCV002923513.3), dbSNP rs1335522035, ClinGen allele CA364730740.

ClinVar aggregate classification (germline): Uncertain significance (1 of 4 stars; one submission).

Conditions:
Ullrich congenital muscular dystrophy 2 (UCMD2). Identifiers: Orphanet 75840, MedGen C4225314, MONDO:0014654, OMIM 616470.
Bethlem myopathy 2 (BTHLM2). Identifiers: Orphanet 536516, Orphanet 610, MedGen C4225313, MONDO:0034022, OMIM 616471.

Allele frequency attached by ClinVar (database versions not stated): gnomAD exomes below 0.00001; TOPMed 0.00001.
gnomAD v4.1: 2 of 1,581,752 alleles (0.00013%); highest among the groups gnomAD compares: Non-Finnish European, 0.00017%; no homozygotes.

Submission:

Labcorp Genetics (formerly Invitae), Labcorp
Classification: Uncertain significance for Bethlem myopathy 2; Ullrich congenital muscular dystrophy 2. Last evaluated: 2024-02-26. Review status: criteria provided, single submitter. Criteria: Invitae Variant Classification Sherloc (09022015). Collection method: clinical testing. Allele origin: germline.
Comment: This sequence change replaces glutamine, which is neutral and polar, with proline, which is neutral and non-polar, at codon 109 of the COL12A1 protein (p.Gln109Pro). This variant is not present in population databases (gnomAD no frequency). This variant has not been reported in the literature in individuals affected with COL12A1-related conditions. Advanced modeling of protein sequence and biophysical properties (such as structural, functional, and spatial information, amino acid conservation, physicochemical variation, residue mobility, and thermodynamic stability) performed at Invitae indicates that this missense variant is not expected to disrupt COL12A1 protein function with a negative predictive value of 80%. In summary, the available evidence is currently insufficient to determine the role of this variant in disease. Therefore, it has been classified as a Variant of Uncertain Significance.